The following is an entry in ClinVar:

ClinVar aggregate classification (germline): Uncertain significance. Review status: criteria provided, multiple submitters, no conflicts (2 of 4 stars). 3 submissions from 3 submitters: Uncertain significance (3). Last evaluated 2024-09-06.

Conditions:
Intellectual developmental disorder, autosomal dominant 52. Also called: Intellectual disability, autosomal dominant 52; Mental retardation, autosomal dominant 52. Identifiers: MedGen C4540478, MONDO:0030918, OMIM 617796.

Submissions (3):

GeneDx
Classification: Uncertain significance. Last evaluated: 2024-09-06. Review status: criteria provided, single submitter. Criteria: GeneDx Variant Classification Process June 2021. Collection method: clinical testing. Allele origin: germline. Affected: yes.
Comment: Not observed at significant frequency in large population cohorts (gnomAD); In-frame deletion of 1 amino acid in a non-repeat region; In silico analysis supports a deleterious effect on protein structure/function; Has not been previously published as pathogenic or benign to our knowledge

Genome-Nilou Lab
Classification: Uncertain significance for Intellectual developmental disorder, autosomal dominant 52. Last evaluated: 2023-04-11. Review status: criteria provided, single submitter. Criteria: ACMG Guidelines, 2015. Collection method: clinical testing. Allele origin: germline. Affected: no.

3billion
Classification: Uncertain significance for Intellectual developmental disorder, autosomal dominant 52. Last evaluated: 2023-02-23. Review status: criteria provided, single submitter. Criteria: ACMG Guidelines, 2015. Collection method: clinical testing. Allele origin: unknown. Affected: yes.
Comment: The variant is not observed in the gnomAD v2.1.1 dataset. This variant was predicted to result in inframe deletion located in a non-repeat region and is predicted to change the length of the protein and disrupt normal protein function. Therefore, this variant is classified as VUS according to the recommendation of ACMG/AMP guideline.

NM_018489.3(ASH1L):c.132GGA[1] (p.Glu47del)

Gene: ASH1L (ASH1 like histone lysine methyltransferase; minus strand). Cytogenetic location: 1q22.
Variant type: Microsatellite.
Coding change: c.132GGA[1] on transcript NM_018489.3 (MANE Select); one copy of the 3-base unit GGA starting at c.132; the reference has two copies in a row; one copy, 3 bases deleted; also written c.135_137del.
Protein change: p.Glu47del; deletes glutamic acid 47.
Molecular consequence: inframe deletion.
Genome position (GRCh38, 1-based): chr1:155,521,383-155,521,385, TCC deleted on the plus strand (GGA on the coding strand, the reverse complement: ASH1L is on the minus strand); deleting any 3 consecutive bases within chr1:155,521,383-155,521,389 gives the same sequence; the position shown is the placement nearest the transcript's 3' end. VCF-style (leftmost placement, unchanged base first): chr1-155521382-TTCC-T. GRCh37 (hg19) VCF-style: chr1-155491173-TTCC-T.
Other names: c.135_137del (NM_018489.2, NM_018489.3); c.132GGA[1], p.Glu47del (NM_001366177.2); short protein forms E47del.
Identifiers: ClinVar variation 2444170 (VCV002444170.4), dbSNP rs2524743871, ClinGen allele CA2580611498.